The following is an entry in ClinVar:

ClinVar aggregate classification (germline): Uncertain significance. Review status: criteria provided, multiple submitters, no conflicts (2 of 4 stars). 2 submissions from 2 submitters: Uncertain significance (2). Last evaluated 2025-07-27.

Conditions:
Neurofibromatosis, type 1 (NF1). Also called: NEUROFIBROMATOSIS, TYPE I, SOMATIC; Peripheral type neurofibromatosis; Neurofibromatosis, type I; VON RECKLINGHAUSEN DISEASE. Identifiers: Orphanet 636, MedGen C0027831, MONDO:0018975, OMIM 162200. Disease mechanism: loss of function.

Allele frequency attached by ClinVar (database versions not stated): TOPMed below 0.00001; ESP Exome Variant Server 0.00008.

Submissions (2):

Labcorp Genetics (formerly Invitae), Labcorp
Classification: Uncertain significance for Neurofibromatosis, type 1. Last evaluated: 2025-07-27. Review status: criteria provided, single submitter. Criteria: Invitae Variant Classification Sherloc (09022015). Collection method: clinical testing. Allele origin: germline.
Comment: This sequence change replaces threonine, which is neutral and polar, with alanine, which is neutral and non-polar, at codon 2101 of the NF1 protein (p.Thr2101Ala). This variant is not present in population databases (gnomAD no frequency). This variant has not been reported in the literature in individuals affected with NF1-related conditions. ClinVar contains an entry for this variant (Variation ID: 1525493). Invitae Evidence Modeling of protein sequence and biophysical properties (such as structural, functional, and spatial information, amino acid conservation, physicochemical variation, residue mobility, and thermodynamic stability) indicates that this missense variant is expected to disrupt NF1 protein function with a positive predictive value of 95%. In summary, the available evidence is currently insufficient to determine the role of this variant in disease. Therefore, it has been classified as a Variant of Uncertain Significance.

Blueprint Genetics
Classification: Uncertain significance. Last evaluated: 2022-02-28. Review status: criteria provided, single submitter. Criteria: ACMG Guidelines, 2015. Collection method: clinical testing. Allele origin: germline.

NM_001042492.3(NF1):c.6364A>G (p.Thr2122Ala)

Gene: NF1 (neurofibromin 1; plus strand). Cytogenetic location: 17q11.2.
Variant type: single nucleotide variant.
Coding change: c.6364A>G on transcript NM_001042492.3 (MANE Select); coding-DNA position 6364, A replaced by G.
Protein change: p.Thr2122Ala; replaces threonine 2122 with alanine.
Molecular consequence: missense variant.
Genome position (GRCh38, 1-based): chr17:31,336,851, A>G. VCF-style: chr17-31336851-A-G. GRCh37 (hg19) VCF-style: chr17-29663869-A-G.
Other names: c.6301A>G, p.Thr2101Ala (NM_000267.4); short protein forms T2122A, T2101A.
Identifiers: ClinVar variation 1525493 (VCV001525493.9), dbSNP rs139387354, ClinGen allele CA289386349.